The following is an entry in ClinVar:

NM_001370259.2(MEN1):c.315C>G (p.Leu105=)

Gene: MEN1 (menin 1; minus strand). Cytogenetic location: 11q13.1.
Variant type: single nucleotide variant.
Coding change: c.315C>G on transcript NM_001370259.2 (MANE Select); coding-DNA position 315, C replaced by G.
Protein change: p.Leu105=; no amino-acid change (leucine 105 retained).
Molecular consequence: synonymous variant.
Genome position (GRCh38, 1-based): chr11:64,809,795, G>C on the plus strand (C>G on the coding strand, the complement: MEN1 is on the minus strand). VCF-style: chr11-64809795-G-C. GRCh37 (hg19) VCF-style: chr11-64577267-G-C.
Other names: c.315C>G, p.Leu105= (NM_000244.4, NM_001370251.2, NM_001370260.2 and 9 more transcripts).
Identifiers: ClinVar variation 823020 (VCV000823020.14), dbSNP rs1238374960, ClinGen allele CA475163502.

ClinVar aggregate classification (germline): Benign/Likely benign. Review status: criteria provided, multiple submitters, no conflicts (2 of 4 stars). 3 submissions from 3 submitters: Benign (1); Likely benign (2). Last evaluated 2025-09-01.

Conditions:
Multiple endocrine neoplasia, type 1 (MEN1). Also called: MEN I; WERMER SYNDROME; Endocrine adenomatosis multiple; MEN 1; MEA I. Identifiers: Orphanet 652, MedGen C0025267, MeSH D018761, MONDO:0007540, OMIM 131100.
Hereditary cancer-predisposing syndrome. Also called: Hereditary Cancer Syndrome; Neoplastic Syndromes, Hereditary; Hereditary neoplastic syndrome; Tumor predisposition. Identifiers: Orphanet 140162, MedGen C0027672, MeSH D009386, MONDO:0015356.

Allele frequency attached by ClinVar (database versions not stated): TOPMed 0.00001; gnomAD 0.00003.
gnomAD v4.1: 4 of 1,613,910 alleles (0.00025%); highest among the groups gnomAD compares: African/African-American, 0.0053%; no homozygotes.

Submissions (3):

Labcorp Genetics (formerly Invitae), Labcorp
Classification: Likely benign for Multiple endocrine neoplasia, type 1. Last evaluated: 2025-09-01. Review status: criteria provided, single submitter. Criteria: Invitae Variant Classification Sherloc (09022015). Collection method: clinical testing. Allele origin: germline.

Myriad Genetics, Inc.
Classification: Benign for Multiple endocrine neoplasia, type 1. Last evaluated: 2024-10-31. Review status: criteria provided, single submitter. Criteria: Myriad Autosomal Dominant, Autosomal Recessive and X-Linked Classification Criteria (2023). Collection method: clinical testing. Allele origin: unknown.
Comment: This variant is considered benign. This variant is a silent/synonymous amino acid change and it is not expected to impact splicing.

Ambry Genetics
Classification: Likely benign for Hereditary cancer-predisposing syndrome. Last evaluated: 2018-03-29. Review status: criteria provided, single submitter. Criteria: Ambry Variant Classification Scheme 2023. Collection method: clinical testing. Allele origin: germline.